The following is an entry in ClinVar:

NM_000512.5(GALNS):c.120+1G>A

Genes: TRAPPC2L (trafficking protein particle complex subunit 2L; plus strand), GALNS (galactosamine (N-acetyl)-6-sulfatase; minus strand), LOC130059762 (ATAC-STARR-seq lymphoblastoid silent region 7883; plus strand). Cytogenetic location: 16q24.3.
Variant type: single nucleotide variant.
Coding change: c.120+1G>A on transcript NM_000512.5 (MANE Select); the canonical splice donor site of the intron after coding-DNA position 120, G replaced by A.
Molecular consequence: splice donor variant.
Genome position (GRCh38, 1-based): chr16:88,856,757, C>T on the plus strand (G>A on the coding strand, the complement: GALNS is on the minus strand). VCF-style: chr16-88856757-C-T. GRCh37 (hg19) VCF-style: chr16-88923165-C-T.
Other names: c.-312+1G>A (NM_001323543.2); c.-33+1G>A (NM_001323544.2).
Identifiers: ClinVar variation 1048370 (VCV001048370.10), dbSNP rs911877265, ClinGen allele CA397100947.
Genomic context (GRCh38, chr16:88,856,757, plus strand): 5'-CATCCGCCCCTCCCCTCCCCGCCCCACCCCGGCCCTGCCCCGTCCCACCGCCCGCACTCA[C>T]GTCGTCCATGAGCAGGAGCAGGATGTTGGGGGGCTGCGGGGCGCCCGAGGCCCCCATCCC-3'

ClinVar aggregate classification (germline): Pathogenic. Review status: criteria provided, multiple submitters, no conflicts (2 of 4 stars). 3 submissions from 3 submitters: Pathogenic (3). Last evaluated 2023-05-02.

Conditions:
Mucopolysaccharidosis, MPS-IV-A (MPS4A). Also called: Mucopolysaccharidosis type IV A; Mucopolysaccharidosis Type IVA; Morquio syndrome A, mild; MORQUIO SYNDROME A; MPS IVA; mucopolysaccharidosis type 4A. Identifiers: Orphanet 309297, Orphanet 582, MedGen C0086651, MONDO:0009659, OMIM 253000.

gnomAD v4.1: 1 of 1,525,564 alleles (0.000066%); highest among the groups gnomAD compares: Non-Finnish European, 0.000088%; no homozygotes.

Submissions (3):

Labcorp Genetics (formerly Invitae), Labcorp
Classification: Pathogenic for Mucopolysaccharidosis, MPS-IV-A. Last evaluated: 2023-05-02. Review status: criteria provided, single submitter. Criteria: Invitae Variant Classification Sherloc (09022015). Collection method: clinical testing. Allele origin: germline.
Comment: For these reasons, this variant has been classified as Pathogenic. Algorithms developed to predict the effect of sequence changes on RNA splicing suggest that this variant may disrupt the consensus splice site. ClinVar contains an entry for this variant (Variation ID: 1048370). This variant is also known as IVS1+1G>A. Disruption of this splice site has been observed in individual(s) with mucopolysaccharidosis type IVA (PMID: 16378744). This variant is not present in population databases (gnomAD no frequency). This sequence change affects a donor splice site in intron 1 of the GALNS gene. It is expected to disrupt RNA splicing. Variants that disrupt the donor or acceptor splice site typically lead to a loss of protein function (PMID: 16199547), and loss-of-function variants in GALNS are known to be pathogenic (PMID: 12442278).

Revvity Omics, Revvity
Classification: Pathogenic for Mucopolysaccharidosis, MPS-IV-A. Last evaluated: 2023-03-07. Review status: criteria provided, single submitter. Criteria: ACMG Guidelines, 2015. Collection method: clinical testing. Allele origin: germline.

Laboratory of Diagnosis and Therapy of Lysosomal Disorders, University of Padova
Classification: Pathogenic for Mucopolysaccharidosis, MPS-IV-A. Last evaluated: 2021-02-01. Review status: criteria provided, single submitter. Criteria: ACMG Guidelines, 2015. Collection method: research. Allele origin: germline. Affected: yes.
Comment: Splicing variant in canonical site (PVS1_very strong); in vitro and in vivo functional studies supportive of a damaging effect on the gene product (low to null enzymatic activity in homozygotes; RNA studies; PS3_strong); the prevalence of the variant in affected individuals is significantly increased compared with the prevalence in controls (PS4_strong); absent from gnomAD v2.1.1 (PM2_moderate)

Literature cited by the submitters: PubMed 16378744 (cited by Labcorp Genetics (formerly Invitae), Labcorp and Laboratory of Diagnosis and Therapy of Lysosomal Disorders, University of Padova); PubMed 16199547 (cited by Labcorp Genetics (formerly Invitae), Labcorp); PubMed 12442278 (cited by Labcorp Genetics (formerly Invitae), Labcorp); PubMed 18710657 (cited by Laboratory of Diagnosis and Therapy of Lysosomal Disorders, University of Padova); PubMed 21896407 (cited by Laboratory of Diagnosis and Therapy of Lysosomal Disorders, University of Padova); PubMed 22078177 (cited by Laboratory of Diagnosis and Therapy of Lysosomal Disorders, University of Padova); PubMed 27317439 (cited by Laboratory of Diagnosis and Therapy of Lysosomal Disorders, University of Padova); PubMed 34387910 (cited by Laboratory of Diagnosis and Therapy of Lysosomal Disorders, University of Padova).